The following is an entry in ClinVar:

ClinVar aggregate classification (germline): Uncertain significance. Review status: criteria provided, multiple submitters, no conflicts (2 of 4 stars). 4 submissions from 4 submitters: Uncertain significance (3). 1 of the submissions does not count toward it. Last evaluated 2025-08-17.

Conditions:
Hereditary cancer-predisposing syndrome. Also called: Hereditary neoplastic syndrome; Tumor predisposition; Hereditary Cancer Syndrome; Neoplastic Syndromes, Hereditary. Identifiers: Orphanet 140162, MedGen C0027672, MeSH D009386, MONDO:0015356.
Ataxia-telangiectasia syndrome (AT). Also called: Cerebello-oculocutaneous telangiectasia; Immunodeficiency with ataxia telangiectasia; Ataxia telangiectasia (A-T); Ataxia-telangiectasia, complementation group E; LOUIS-BAR SYNDROME; Ataxia-telangiectasia. Identifiers: Orphanet 100, MedGen C0004135, MONDO:0008840, OMIM 208900.

Allele frequency attached by ClinVar (database versions not stated): gnomAD exomes below 0.00001; gnomAD 0.00001.
gnomAD v4.1: 3 of 1,613,972 alleles (0.00019%); highest among the groups gnomAD compares: Admixed American, 0.0017%; no homozygotes.

Submissions (4):

Labcorp Genetics (formerly Invitae), Labcorp
Classification: Uncertain significance for Ataxia-telangiectasia syndrome. Last evaluated: 2025-08-17. Review status: criteria provided, single submitter. Criteria: Invitae Variant Classification Sherloc (09022015). Collection method: clinical testing. Allele origin: germline.
Comment: This sequence change replaces serine, which is neutral and polar, with proline, which is neutral and non-polar, at codon 1655 of the ATM protein (p.Ser1655Pro). This variant is present in population databases (no rsID available, gnomAD 0.0009%). This variant has not been reported in the literature in individuals affected with ATM-related conditions. ClinVar contains an entry for this variant (Variation ID: 579008). Invitae Evidence Modeling of protein sequence and biophysical properties (such as structural, functional, and spatial information, amino acid conservation, physicochemical variation, residue mobility, and thermodynamic stability) indicates that this missense variant is not expected to disrupt ATM protein function with a negative predictive value of 95%. In summary, the available evidence is currently insufficient to determine the role of this variant in disease. Therefore, it has been classified as a Variant of Uncertain Significance.

Ambry Genetics
Classification: Uncertain significance for Hereditary cancer-predisposing syndrome. Last evaluated: 2024-06-17. Review status: criteria provided, single submitter. Criteria: Ambry Variant Classification Scheme 2023. Collection method: clinical testing. Allele origin: germline.
Comment: The p.S1655P variant (also known as c.4963T>C), located in coding exon 32 of the ATM gene, results from a T to C substitution at nucleotide position 4963. The serine at codon 1655 is replaced by proline, an amino acid with similar properties. This amino acid position is not well conserved in available vertebrate species. In addition, the in silico prediction for this alteration is inconclusive. Based on the available evidence, the clinical significance of this variant remains unclear.

Color Diagnostics, LLC DBA Color Health
Classification: Uncertain significance for Hereditary cancer-predisposing syndrome. Last evaluated: 2023-12-07. Review status: criteria provided, single submitter. Criteria: ACMG Guidelines, 2015. Collection method: clinical testing. Allele origin: germline.
Comment: This missense variant replaces serine with proline at codon 1655 of the ATM protein. Computational prediction is inconclusive regarding the impact of this variant on protein structure and function. To our knowledge, functional studies have not been reported for this variant. This variant has not been reported in individuals affected with ATM-related disorders in the literature. This variant has been identified in 1/251008 chromosomes in the general population by the Genome Aggregation Database (gnomAD). The available evidence is insufficient to determine the role of this variant in disease conclusively. Therefore, this variant is classified as a Variant of Uncertain Significance.

Natera, Inc.
Classification: Uncertain significance for Ataxia-telangiectasia. Last evaluated: 2020-07-21. Review status: no assertion criteria provided. Collection method: clinical testing. Allele origin: germline. Not counted in ClinVar's aggregate classification.

NM_000051.4(ATM):c.4963T>C (p.Ser1655Pro)

Gene: ATM (ATM serine/threonine kinase; plus strand). Cytogenetic location: 11q22.3.
Variant type: single nucleotide variant.
Coding change: c.4963T>C on transcript NM_000051.4 (MANE Select); coding-DNA position 4963, T replaced by C.
Protein change: p.Ser1655Pro; replaces serine 1655 with proline.
Molecular consequence: missense variant.
Genome position (GRCh38, 1-based): chr11:108,297,340, T>C. VCF-style: chr11-108297340-T-C. GRCh37 (hg19) VCF-style: chr11-108168067-T-C.
Other names: c.4963T>C, p.Ser1655Pro (NM_001351834.2); short protein forms S1655P.
Identifiers: ClinVar variation 579008 (VCV000579008.24), dbSNP rs1376280581, ClinGen allele CA382538345.